The following is an entry in ClinVar:

NM_005546.4(ITK):c.1043C>G (p.Thr348Arg)

Gene: ITK (IL2 inducible T cell kinase; plus strand). Cytogenetic location: 5q33.3.
Variant type: single nucleotide variant.
Coding change: c.1043C>G on transcript NM_005546.4 (MANE Select); coding-DNA position 1043, C replaced by G.
Protein change: p.Thr348Arg; replaces threonine 348 with arginine.
Molecular consequence: missense variant.
Genome position (GRCh38, 1-based): chr5:157,241,703, C>G. VCF-style: chr5-157241703-C-G. GRCh37 (hg19) VCF-style: chr5-156668713-C-G.
Other names: p.Thr348Arg; c.1043C>G (NM_005546.3); short protein forms T348R.
Identifiers: ClinVar variation 1423059 (VCV001423059.7), dbSNP rs1358243764, ClinGen allele CA361959033.

ClinVar aggregate classification (germline): Uncertain significance. Review status: criteria provided, multiple submitters, no conflicts (2 of 4 stars). 2 submissions from 2 submitters: Uncertain significance (2). Last evaluated 2025-05-12.

Conditions:
Lymphoproliferative syndrome 1 (LPFS1). Identifiers: Orphanet 238505, Orphanet 538963, MedGen C3552634, MONDO:0013081, OMIM 613011.

Allele frequency attached by ClinVar (database versions not stated): gnomAD 0.00001; TOPMed 0.00001.
gnomAD v4.1: 2 of 1,613,238 alleles (0.00012%); highest among the groups gnomAD compares: Non-Finnish European, 0.00017%; no homozygotes.

Submissions (2):

Mayo Clinic Laboratories, Mayo Clinic
Classification: Uncertain significance. Last evaluated: 2025-05-12. Review status: criteria provided, single submitter. Criteria: ACMG Guidelines, 2015. Collection method: clinical testing. Allele origin: germline. Observed: 1 variant allele.
Comment: PM2_supporting

Labcorp Genetics (formerly Invitae), Labcorp
Classification: Uncertain significance for Lymphoproliferative syndrome 1. Last evaluated: 2021-11-22. Review status: criteria provided, single submitter. Criteria: Invitae Variant Classification Sherloc (09022015). Collection method: clinical testing. Allele origin: germline.
Comment: Advanced modeling of protein sequence and biophysical properties (such as structural, functional, and spatial information, amino acid conservation, physicochemical variation, residue mobility, and thermodynamic stability) performed at Invitae indicates that this missense variant is not expected to disrupt ITK protein function. This sequence change replaces threonine, which is neutral and polar, with arginine, which is basic and polar, at codon 348 of the ITK protein (p.Thr348Arg). This variant is not present in population databases (gnomAD no frequency). This variant has not been reported in the literature in individuals affected with ITK-related conditions. In summary, the available evidence is currently insufficient to determine the role of this variant in disease. Therefore, it has been classified as a Variant of Uncertain Significance.